The following is an entry in ClinVar:

ClinVar aggregate classification (germline): Benign/Likely benign. Review status: criteria provided, multiple submitters, no conflicts (2 of 4 stars). 2 submissions from 2 submitters: Benign (1); Likely benign (1). Last evaluated 2026-06-09.

Conditions:
Tumor predisposition syndrome 2 (TPDS2). Also called: MBD4-ASSOCIATED NEOPLASIA SYNDROME; MBD4-Related Tumor Predisposition Syndrome; MBD4-associated neoplasia syndrome (MANS). Identifiers: Orphanet 661526, MedGen C5774186, MONDO:0859267, OMIM 619975.

Allele frequency attached by ClinVar (database versions not stated): gnomAD exomes below 0.00001.
gnomAD v4.1: 1 of 1,607,936 alleles (0.000062%); highest among the groups gnomAD compares: African/African-American, 0.0013%; no homozygotes.

Submissions (2):

Myriad Genetics, Inc.
Classification: Benign for Tumor predisposition syndrome 2. Last evaluated: 2026-06-09. Review status: criteria provided, single submitter. Criteria: Myriad Autosomal Dominant, Autosomal Recessive and X-Linked Classification Criteria (2023). Collection method: clinical testing. Allele origin: unknown.
Comment: This variant is considered benign. This variant is a silent/synonymous amino acid change and it is not expected to impact splicing.

Labcorp Genetics (formerly Invitae), Labcorp
Classification: Likely benign. Last evaluated: 2025-10-23. Review status: criteria provided, single submitter. Criteria: Invitae Variant Classification Sherloc (09022015). Collection method: clinical testing. Allele origin: germline.

NM_001276270.2(MBD4):c.120T>C (p.Ala40=)

Gene: MBD4 (methyl-CpG binding domain 4, DNA glycosylase; minus strand). Cytogenetic location: 3q21.3.
Variant type: single nucleotide variant.
Coding change: c.120T>C on transcript NM_001276270.2 (MANE Select); coding-DNA position 120, T replaced by C.
Protein change: p.Ala40=; no amino-acid change (alanine 40 retained).
Molecular consequence: synonymous variant.
Genome position (GRCh38, 1-based): chr3:129,437,935, A>G on the plus strand (T>C on the coding strand, the complement: MBD4 is on the minus strand). VCF-style: chr3-129437935-A-G. GRCh37 (hg19) VCF-style: chr3-129156778-A-G.
Other names: c.120T>C, p.Ala40= (NM_001276271.2, NM_001276272.2, NM_001276273.2 and 1 more transcripts).
Identifiers: ClinVar variation 2703867 (VCV002703867.4), dbSNP rs2530729036, ClinGen allele CA435768821.
Genomic context (GRCh38, chr3:129,437,935, plus strand): 5'-TTCACTGCTTCTTTTTATCATCATTTGTTCCTCATCTTCTCCCACTCTTTCCAATTCCAT[A>G]GCAACATCTTCTTTGCTGGAAAAACAAAGTCTAAGTGATTAACTTATTTAAAATTTATCT-3'
Protein context (NP_001263199.1, residues 30-50): PPNDLRKEDV[Ala40=]MELERVGEDE